The following is an entry in ClinVar:

NC_000009.12:g.35658034_35658042dup

Gene: RMRP (RNA component of mitochondrial RNA processing endoribonuclease; minus strand). Cytogenetic location: 9p13.3.
Variant type: Duplication.
Genome position: GRCh38 VCF-style: chr9-35658033-A-ACAGAGTAGT. GRCh37 (hg19) VCF-style: chr9-35658030-A-ACAGAGTAGT.
Identifiers: ClinVar variation 4713039 (VCV004713039.1).

ClinVar aggregate classification (germline): Pathogenic (1 of 4 stars; one submission).

Conditions:
Anauxetic dysplasia. Identifiers: Orphanet 93347, MedGen C1846796, MONDO:0011773.

Submission:

Labcorp Genetics (formerly Invitae), Labcorp
Classification: Pathogenic for Anauxetic dysplasia. Last evaluated: 2025-02-13. Review status: criteria provided, single submitter. Criteria: Invitae Variant Classification Sherloc (09022015). Collection method: clinical testing. Allele origin: germline.
Comment: This variant occurs in the RMRP gene, which encodes an RNA molecule that does not result in a protein product. This variant is not present in population databases (gnomAD no frequency). While this particular variant has not been reported in the literature, it is located in the promoter region between the TATA box and the transcription initiation site, and other insertions and duplications immediately upstream of the coding sequence have been reported in individuals affected with cartilage-hair hypoplasia-anauxetic dysplasia (CHH-AD) spectrum disorders (PMID: 16244706, 11207361, 12107819). While functional studies for this variant have not been reported, experimental analyses using patient derived cells, as well as in vitro transfection studies, have shown that promoter insertions result in silencing of RMRP transcription and reduced expression of the gene product (PMID: 11207361, 16254002). For these reasons, this variant has been classified as Pathogenic.

Literature cited by the submitters: PubMed 16244706; PubMed 11207361; PubMed 12107819; PubMed 16254002.